The following is an entry in ClinVar:

ClinVar aggregate classification (germline): Uncertain significance (1 of 4 stars; one submission).

gnomAD v4.1: 6 of 1,612,356 alleles (0.00037%); highest among the groups gnomAD compares: Non-Finnish European, 0.00051%; no homozygotes.

Submission:

Ambry Genetics
Classification: Uncertain significance. Last evaluated: 2026-03-19. Review status: criteria provided, single submitter. Criteria: Ambry Variant Classification Scheme 2023. Collection method: clinical testing. Allele origin: germline.
Comment: The c.128C>T (p.P43L) alteration is located in exon 2 (coding exon 2) of the LHX2 gene. This alteration results from a C to T substitution at nucleotide position 128, causing the proline (P) at amino acid position 43 to be replaced by a leucine (L). Based on data from gnomAD, the T allele has an overall frequency of <0.001% (1/247696) total alleles studied. The highest observed frequency was 0.001% (1/110904) of European (non-Finnish) alleles. Based on insufficient or conflicting evidence, the clinical significance of this alteration remains unclear.

NM_004789.4(LHX2):c.128C>T (p.Pro43Leu)

Gene: LHX2 (LIM homeobox 2; plus strand). Cytogenetic location: 9q33.3.
Variant type: single nucleotide variant.
Coding change: c.128C>T on transcript NM_004789.4 (MANE Select); coding-DNA position 128, C replaced by T.
Protein change: p.Pro43Leu; replaces proline 43 with leucine.
Molecular consequence: missense variant.
Genome position (GRCh38, 1-based): chr9:124,013,968, C>T. VCF-style: chr9-124013968-C-T. GRCh37 (hg19) VCF-style: chr9-126776247-C-T.
Other names: short protein forms P43L.
Identifiers: ClinVar variation 4859194 (VCV004859194.1).
Genomic context (GRCh38, chr9:124,013,968, plus strand): 5'-GGGGCCGCTGGCTGACGCAGGCGCTGCTGTCTTCCGCCTCCCTCCCTTCGCAGACCATGC[C>T]GTCCATCAGCAGTGACCGCGCCGCGCTGTGCGCCGGCTGCGGGGGCAAGATCTCGGACCG-3'
Protein context (NP_004780.3, residues 33-53): IDRGDTETTM[Pro43Leu]SISSDRAALC